The following is an entry in ClinVar:

ClinVar aggregate classification (germline): Likely benign (1 of 4 stars; one submission).

Submission:

CeGaT Center for Human Genetics Tuebingen
Classification: Likely benign. Last evaluated: 2025-08-01. Review status: criteria provided, single submitter. Criteria: CeGaT Center For Human Genetics Tuebingen Variant Classification Criteria Version 2. Collection method: clinical testing. Allele origin: germline. Affected: yes. Observed: 1 variant allele.
Comment: SUFU: PM2:Supporting, BP4, BP7

NM_016169.4(SUFU):c.1098T>C (p.Leu366=)

Gene: SUFU (SUFU negative regulator of hedgehog signaling; plus strand). Cytogenetic location: 10q24.32.
Variant type: single nucleotide variant.
Coding change: c.1098T>C on transcript NM_016169.4 (MANE Select); coding-DNA position 1098, T replaced by C.
Protein change: p.Leu366=; no amino-acid change (leucine 366 retained).
Molecular consequence: synonymous variant.
Genome position (GRCh38, 1-based): chr10:102,615,343, T>C. VCF-style: chr10-102615343-T-C. GRCh37 (hg19) VCF-style: chr10-104375100-T-C.
Other names: c.1098T>C, p.Leu366= (NM_001178133.2).
Identifiers: ClinVar variation 4085741 (VCV004085741.8).